The following is an entry in ClinVar:

ClinVar aggregate classification (germline): Uncertain significance. Review status: criteria provided, multiple submitters, no conflicts (2 of 4 stars). 3 submissions from 3 submitters: Uncertain significance (3). Last evaluated 2025-09-21.

Conditions:
Oculotrichoanal syndrome (MOTA). Also called: MARLES SYNDROME; Manitoba Oculotrichoanal (MOTA) Syndrome. Identifiers: Orphanet 2717, MedGen C1855425, MONDO:0009560, OMIM 248450.
BNAR syndrome. Also called: Bifid Nose With or Without Anorectal and Renal Anomalies (BNAR) Syndrome. Identifiers: Orphanet 217266, MedGen C2750433, MONDO:0012165, OMIM 608980.
Trigonocephaly 2 (TRIGNO2). Identifiers: Orphanet 3366, MedGen C3280974, MONDO:0013774, OMIM 614485.

Allele frequency attached by ClinVar (database versions not stated): ExAC 0.00001; gnomAD 0.00001; gnomAD exomes 0.00002 and 0.00001; TOPMed 0.00001.
gnomAD v4.1: 13 of 1,613,538 alleles (0.00081%); highest among the groups gnomAD compares: Non-Finnish European, 0.001%; no homozygotes.

Submissions (3):

Dasa
Classification: Uncertain significance. Last evaluated: 2025-09-21. Review status: criteria provided, single submitter. Criteria: DASA Assertion Criteria. Collection method: clinical testing. Allele origin: germline.
Comment: NM_001379081.2(FREM1):c.2504G>A (p.Gly835Glu) is a missense variant that results in the substitution of glycine with glutamic acid. This variant is rare in population databases. The currently available literature and clinical evidence are not sufficient to establish a definitive association between this variant and the reported condition. Therefore, this variant is classified as a variant of uncertain significance.

Fulgent Genetics
Classification: Uncertain significance for Oculotrichoanal syndrome; BNAR syndrome; Trigonocephaly 2. Last evaluated: 2024-01-31. Review status: criteria provided, single submitter. Criteria: ACMG Guidelines, 2015. Collection method: clinical testing. Allele origin: germline.

Illumina Laboratory Services, Illumina
Classification: Uncertain significance for Oculotrichoanal syndrome. Last evaluated: 2018-01-13. Review status: criteria provided, single submitter. Criteria: ICSL Variant Classification Criteria 13 December 2019. Collection method: clinical testing. Allele origin: germline.

NM_001379081.2(FREM1):c.2504G>A (p.Gly835Glu)

Gene: FREM1 (FRAS1 related extracellular matrix 1; minus strand). Cytogenetic location: 9p22.3.
Variant type: single nucleotide variant.
Coding change: c.2504G>A on transcript NM_001379081.2 (MANE Select); coding-DNA position 2504, G replaced by A.
Protein change: p.Gly835Glu; replaces glycine 835 with glutamic acid.
Molecular consequence: missense variant. On other transcripts: non-coding transcript variant (2).
Genome position (GRCh38, 1-based): chr9:14,819,276, C>T on the plus strand (G>A on the coding strand, the complement: FREM1 is on the minus strand). VCF-style: chr9-14819276-C-T. GRCh37 (hg19) VCF-style: chr9-14819274-C-T.
Other names: c.2504G>A, p.Gly835Glu (NM_144966.7); short protein forms G835E.
Identifiers: ClinVar variation 913135 (VCV000913135.7), dbSNP rs779979968, ClinGen allele CA4990910.